The following is an entry in ClinVar:

ClinVar aggregate classification (germline): Uncertain significance (1 of 4 stars; one submission).

Submission:

GeneDx
Classification: Uncertain significance. Last evaluated: 2024-03-10. Review status: criteria provided, single submitter. Criteria: GeneDx Variant Classification Process June 2021. Collection method: clinical testing. Allele origin: germline. Affected: yes.
Comment: In-frame deletion of 1 amino acid in a non-repeat region; Not observed at significant frequency in large population cohorts (gnomAD); In silico analysis supports a deleterious effect on protein structure/function; Has not been previously published as pathogenic or benign to our knowledge

NM_001145809.2(MYH14):c.979CTC[2] (p.Leu329del)

Gene: MYH14 (myosin heavy chain 14; plus strand). Cytogenetic location: 19q13.33.
Variant type: Microsatellite.
Coding change: c.979CTC[2] on transcript NM_001145809.2 (MANE Select); two copies in a row of the 3-base unit CTC starting at c.979; the reference has three copies in a row; one copy, 3 bases deleted.
Protein change: p.Leu329del; deletes leucine 329.
Genome position (GRCh38, 1-based): chr19:50,231,941-50,231,943, CTC deleted; deleting any 3 consecutive bases within chr19:50,231,934-50,231,943 gives the same sequence; the position shown is the placement nearest the transcript's 3' end. VCF-style (leftmost placement, unchanged base first): chr19-50231933-ACCT-A. GRCh37 (hg19) VCF-style: chr19-50735190-ACCT-A.
Other names: c.979CTC[2], p.Leu329del (NM_001077186.2); c.955CTC[2], p.Leu321del (NM_024729.4); short protein forms L321del, L329del.
Identifiers: ClinVar variation 3373698 (VCV003373698.1).